The following is an entry in ClinVar:

ClinVar aggregate classification (germline): Uncertain significance (1 of 4 stars; one submission).

Conditions:
Vein of Galen arteriovenous malformations.

Submission:

Clinical Genomics Laboratory, Washington University in St. Louis
Classification: Uncertain significance for Vein of Galen arteriovenous malformations. Last evaluated: 2025-06-25. Review status: criteria provided, single submitter. Criteria: ACMG Guidelines, 2015. Collection method: clinical testing. Allele origin: germline.
Comment: A KEL c.932C>A (p.Ala311Asp) variant was identified at a near heterozygous allelic fraction of 49.1%, a frequency which may be consistent with germline origin. This variant, to our knowledge, has not been reported in the medical literature. It is absent from the general population (gnomAD v.4.1.0), indicating it is not a common variant. Computational predictors are uncertain as to the impact of this variant on KEL function. Due to limited information, and based on ACMG/AMP guidelines for variant interpretation (Richards S et al., PMID: 25741868), the clinical significance of this variant is uncertain at this time.

NM_000420.3(KEL):c.932C>A (p.Ala311Asp)

Gene: KEL (Kell metallo-endopeptidase (Kell blood group); minus strand). Cytogenetic location: 7q34.
Variant type: single nucleotide variant.
Coding change: c.932C>A on transcript NM_000420.3 (MANE Select); coding-DNA position 932, C replaced by A.
Protein change: p.Ala311Asp; replaces alanine 311 with aspartic acid.
Molecular consequence: missense variant.
Genome position (GRCh38, 1-based): chr7:142,953,949, G>T on the plus strand (C>A on the coding strand, the complement: KEL is on the minus strand). VCF-style: chr7-142953949-G-T. GRCh37 (hg19) VCF-style: chr7-142651036-G-T.
Other names: short protein forms A311D.
Identifiers: ClinVar variation 4279868 (VCV004279868.1).